The following is an entry in ClinVar:

NM_018972.4(GDAP1):c.89A>T (p.His30Leu)

Genes: GDAP1 (ganglioside induced differentiation associated protein 1; plus strand), LOC130000622 (ATAC-STARR-seq lymphoblastoid active region 27542; plus strand). Cytogenetic location: 8q21.11.
Variant type: single nucleotide variant.
Coding change: c.89A>T on transcript NM_018972.4 (MANE Select); coding-DNA position 89, A replaced by T.
Protein change: p.His30Leu; replaces histidine 30 with leucine.
Molecular consequence: missense variant. On other transcripts: 5 prime UTR variant (2), intron variant (1).
Genome position (GRCh38, 1-based): chr8:74,350,550, A>T. VCF-style: chr8-74350550-A-T. GRCh37 (hg19) VCF-style: chr8-75262785-A-T.
Other names: c.-94A>T (NM_001362929.2); c.89A>T, p.His30Leu (NM_001362930.2, NM_001362931.2); c.-46A>T (NM_001362932.2); c.-64+78A>T (NM_001040875.4); short protein forms H30L.
Identifiers: ClinVar variation 418229 (VCV000418229.5), dbSNP rs896431562, ClinGen allele CA16618692.
Genomic context (GRCh38, chr8:74,350,550, plus strand): 5'-GGAGCCCGCCCTTGAGGGCGGAAGGCAAGGCCGACGCGGAGGTTAAGCTCATTCTGTACC[A>T]TTGGACGCATTCCTTCAGCTCTCAAAAGGTACAACAGGCCTTGGCGGCGGAGGGTGGCGC-3'
Protein context (NP_061845.2, residues 20-40): ADAEVKLILY[His30Leu]WTHSFSSQKV

ClinVar aggregate classification (germline): Conflicting classifications of pathogenicity. Review status: criteria provided, conflicting classifications (1 of 4 stars). 3 submissions from 3 submitters: Likely pathogenic (1); Uncertain significance (2). Last evaluated 2023-06-20.

Conditions:
Charcot-Marie-Tooth disease type 4A. Also called: Charcot-Marie-Tooth disease, demyelinating, autosomal recessive, type 4a. Identifiers: Orphanet 99948, MedGen C1859198, MONDO:0008961, OMIM 214400.

Allele frequency attached by ClinVar (database versions not stated): TOPMed 0.00001.

Submissions (3):

3billion
Classification: Uncertain significance for Charcot-Marie-Tooth disease type 4A. Last evaluated: 2023-06-20. Review status: criteria provided, single submitter. Criteria: ACMG Guidelines, 2015. Collection method: clinical testing. Allele origin: germline. Affected: yes.
Comment: The variant is not observed in the gnomAD v2.1.1 dataset. Predicted Consequence/Location: Missense variant In silico tool predictions suggest damaging effect of the variant on gene or gene product (REVEL: 0.48; 3Cnet: 0.89). Same nucleotide change resulting in same amino acid change has been previously reported to be associated with GDAP1 related disorder (ClinVar ID: VCV000418229). However, the evidence of pathogenicity is insufficient at this time. Therefore, this variant is classified as VUS according to the recommendation of ACMG/AMP guideline.

Labcorp Genetics (formerly Invitae), Labcorp
Classification: Uncertain significance for Charcot-Marie-Tooth disease type 4A. Last evaluated: 2022-08-12. Review status: criteria provided, single submitter. Criteria: Invitae Variant Classification Sherloc (09022015). Collection method: clinical testing. Allele origin: germline.
Comment: This sequence change replaces histidine, which is basic and polar, with leucine, which is neutral and non-polar, at codon 30 of the GDAP1 protein (p.His30Leu). This variant is not present in population databases (gnomAD no frequency). This variant has not been reported in the literature in individuals affected with GDAP1-related conditions. ClinVar contains an entry for this variant (Variation ID: 418229). Advanced modeling of protein sequence and biophysical properties (such as structural, functional, and spatial information, amino acid conservation, physicochemical variation, residue mobility, and thermodynamic stability) performed at Invitae indicates that this missense variant is expected to disrupt GDAP1 protein function. In summary, the available evidence is currently insufficient to determine the role of this variant in disease. Therefore, it has been classified as a Variant of Uncertain Significance.

GeneDx
Classification: Likely pathogenic. Last evaluated: 2014-06-16. Review status: criteria provided, single submitter. Criteria: GeneDx Variant Classification (06012015). Collection method: clinical testing. Allele origin: germline. Affected: yes.
Comment: The H30L variant has not been published as a pathogenic variant, nor has it been reported as a benign polymorphism to our knowledge. It was not observed in approximately 6,500 individuals of European and African American ancestry in an external variant database, indicating it is not a common benign variant in these populations. The H30L variant is a non-conservative amino acid substitution, which is likely to impact secondary protein structure as these residues differ in polarity, charge, size and/or other properties. This substitution occurs at a position that is conserved across species. A mutation in a nearby residue (S34C) has been reported in the Human Gene Mutation Database in association with CMT disease (Stenson et al., 2009), supporting the functional importance of this region of the protein. Most in silico programs predict this variant to be damaging to the protein structure/function. Therefore, this is a strong candidate for a pathogenic variant, however the possibility that it is a benign variant cannot be excluded.